The following is an entry in ClinVar:

ClinVar aggregate classification (germline): Uncertain significance (1 of 4 stars; one submission).

Conditions:
Brugada syndrome. Also called: Sudden unexpected nocturnal death syndrome; Sudden Unexplained Death Syndrome; Sudden Unexplained Nocturnal Death Syndrome (SUNDS); Sudden unexplained nocturnal death syndrome. Identifiers: Orphanet 130, MedGen C1142166, MONDO:0015263.

Submission:

Labcorp Genetics (formerly Invitae), Labcorp
Classification: Uncertain significance for Brugada syndrome. Last evaluated: 2025-06-09. Review status: criteria provided, single submitter. Criteria: Invitae Variant Classification Sherloc (09022015). Collection method: clinical testing. Allele origin: germline.
Comment: This sequence change replaces isoleucine, which is neutral and non-polar, with valine, which is neutral and non-polar, at codon 55 of the GPD1L protein (p.Ile55Val). This variant is not present in population databases (gnomAD no frequency). This variant has not been reported in the literature in individuals affected with GPD1L-related conditions. Invitae Evidence Modeling of protein sequence and biophysical properties (such as structural, functional, and spatial information, amino acid conservation, physicochemical variation, residue mobility, and thermodynamic stability) indicates that this missense variant is not expected to disrupt GPD1L protein function with a negative predictive value of 80%. In summary, the available evidence is currently insufficient to determine the role of this variant in disease. Therefore, it has been classified as a Variant of Uncertain Significance.

NM_015141.4(GPD1L):c.163A>G (p.Ile55Val)

Gene: GPD1L (glycerol-3-phosphate dehydrogenase 1 like; plus strand). Cytogenetic location: 3p22.3.
Variant type: single nucleotide variant.
Coding change: c.163A>G on transcript NM_015141.4 (MANE Select); coding-DNA position 163, A replaced by G.
Protein change: p.Ile55Val; replaces isoleucine 55 with valine.
Molecular consequence: missense variant.
Genome position (GRCh38, 1-based): chr3:32,128,191, A>G. VCF-style: chr3-32128191-A-G. GRCh37 (hg19) VCF-style: chr3-32169683-A-G.
Other names: short protein forms I55V.
Identifiers: ClinVar variation 4698987 (VCV004698987.1).